The following is an entry in ClinVar:

ClinVar aggregate classification (germline): Benign (1 of 4 stars; one submission).

Allele frequency attached by ClinVar (database versions not stated): TOPMed 0.21230; 1000 Genomes Project 30x 0.21721; 1000 Genomes Project 0.22125; gnomAD 0.22203 and 0.22471.
gnomAD v4.1: 34,302 of 152,148 alleles (23%); highest among the groups gnomAD compares: East Asian, 41%; 4,282 homozygotes.

Submission:

GeneDx
Classification: Benign. Last evaluated: 2018-06-19. Review status: criteria provided, single submitter. Criteria: GeneDx Variant Classification (06012015). Collection method: clinical testing. Allele origin: germline. Affected: yes.
Comment: This variant is considered likely benign or benign based on one or more of the following criteria: it is a conservative change, it occurs at a poorly conserved position in the protein, it is predicted to be benign by multiple in silico algorithms, and/or has population frequency not consistent with disease.

NM_006514.4(SCN10A):c.3228+317A>G

Genes: SCN10A (sodium voltage-gated channel alpha subunit 10; minus strand), LOC110121288 (VISTA enhancer hs2268; plus strand). Cytogenetic location: 3p22.2.
Variant type: single nucleotide variant.
Coding change: c.3228+317A>G on transcript NM_006514.4 (MANE Select); 317 bases into the intron after coding-DNA position 3228, A replaced by G.
Molecular consequence: intron variant.
Genome position (GRCh38, 1-based): chr3:38,724,857, T>C on the plus strand (A>G on the coding strand, the complement: SCN10A is on the minus strand). VCF-style: chr3-38724857-T-C. GRCh37 (hg19) VCF-style: chr3-38766348-T-C.
Other names: c.2934+317A>G (NM_001293307.2); c.3225+317A>G (NM_001293306.2).
Identifiers: ClinVar variation 668850 (VCV000668850.1), dbSNP rs62242438, ClinGen allele CA11403339.